The following is an entry in ClinVar:

ClinVar aggregate classification (germline): Uncertain significance (1 of 4 stars; one submission).

Conditions:
Familial encephalopathy with neuroserpin inclusion bodies. Also called: ENCEPHALOPATHY, FAMILIAL, WITH COLLINS BODIES. Identifiers: Orphanet 85110, MedGen C1858680, MONDO:0011412, OMIM 604218.

Submission:

Labcorp Genetics (formerly Invitae), Labcorp
Classification: Uncertain significance for Familial encephalopathy with neuroserpin inclusion bodies. Last evaluated: 2022-09-01. Review status: criteria provided, single submitter. Criteria: Invitae Variant Classification Sherloc (09022015). Collection method: clinical testing. Allele origin: germline.
Comment: In summary, the available evidence is currently insufficient to determine the role of this variant in disease. Therefore, it has been classified as a Variant of Uncertain Significance. Advanced modeling of protein sequence and biophysical properties (such as structural, functional, and spatial information, amino acid conservation, physicochemical variation, residue mobility, and thermodynamic stability) performed at Invitae indicates that this missense variant is not expected to disrupt SERPINI1 protein function. ClinVar contains an entry for this variant (Variation ID: 946508). This variant has not been reported in the literature in individuals affected with SERPINI1-related conditions. This variant is not present in population databases (gnomAD no frequency). This sequence change replaces methionine, which is neutral and non-polar, with valine, which is neutral and non-polar, at codon 106 of the SERPINI1 protein (p.Met106Val).

NM_001122752.2(SERPINI1):c.316A>G (p.Met106Val)

Gene: SERPINI1 (serpin family I member 1; plus strand). Cytogenetic location: 3q26.1.
Variant type: single nucleotide variant.
Coding change: c.316A>G on transcript NM_001122752.2 (MANE Select); coding-DNA position 316, A replaced by G.
Protein change: p.Met106Val; replaces methionine 106 with valine.
Molecular consequence: missense variant.
Genome position (GRCh38, 1-based): chr3:167,790,437, A>G. VCF-style: chr3-167790437-A-G. GRCh37 (hg19) VCF-style: chr3-167508225-A-G.
Other names: c.316A>G, p.Met106Val (NM_005025.5); short protein forms M106V.
Identifiers: ClinVar variation 946508 (VCV000946508.9), dbSNP rs1727465258, ClinGen allele CA355156029.